The following is an entry in ClinVar:

ClinVar aggregate classification (germline): Uncertain significance (1 of 4 stars; one submission).

Allele frequency attached by ClinVar (database versions not stated): gnomAD exomes 0.00001.
gnomAD v4.1: 8 of 1,345,660 alleles (0.00059%); highest among the groups gnomAD compares: Non-Finnish European, 0.00067%; no homozygotes.

Submission:

Ambry Genetics
Classification: Uncertain significance. Last evaluated: 2023-01-18. Review status: criteria provided, single submitter. Criteria: Ambry Variant Classification Scheme 2023. Collection method: clinical testing. Allele origin: germline.
Comment: The p.G132V variant (also known as c.395G>T), located in coding exon 1 of the EGLN1 gene, results from a G to T substitution at nucleotide position 395. The glycine at codon 132 is replaced by valine, an amino acid with dissimilar properties. This amino acid position is conserved. In addition, this alteration is predicted to be tolerated by in silico analysis. Since supporting evidence is limited at this time, the clinical significance of this alteration remains unclear.

NM_022051.3(EGLN1):c.395G>T (p.Gly132Val)

Gene: EGLN1 (egl-9 family hypoxia inducible factor 1; minus strand). Cytogenetic location: 1q42.2.
Variant type: single nucleotide variant.
Coding change: c.395G>T on transcript NM_022051.3 (MANE Select); coding-DNA position 395, G replaced by T.
Protein change: p.Gly132Val; replaces glycine 132 with valine.
Molecular consequence: missense variant.
Genome position (GRCh38, 1-based): chr1:231,421,494, C>A on the plus strand (G>T on the coding strand, the complement: EGLN1 is on the minus strand). VCF-style: chr1-231421494-C-A. GRCh37 (hg19) VCF-style: chr1-231557240-C-A.
Other names: c.395G>T, p.Gly132Val (NM_001377260.1, NM_001377261.1); short protein forms G132V.
Identifiers: ClinVar variation 2450381 (VCV002450381.2), dbSNP rs1656601154, ClinGen allele CA345237266.